The following is an entry in ClinVar:

NM_152703.5(SAMD9L):c.3101A>G (p.Asp1034Gly)

Gene: SAMD9L (sterile alpha motif domain containing 9 like; minus strand). Cytogenetic location: 7q21.2.
Variant type: single nucleotide variant.
Coding change: c.3101A>G on transcript NM_152703.5 (MANE Select); coding-DNA position 3101, A replaced by G.
Protein change: p.Asp1034Gly; replaces aspartic acid 1034 with glycine.
Molecular consequence: missense variant.
Genome position (GRCh38, 1-based): chr7:93,132,871, T>C on the plus strand (A>G on the coding strand, the complement: SAMD9L is on the minus strand). VCF-style: chr7-93132871-T-C. GRCh37 (hg19) VCF-style: chr7-92762184-T-C.
Other names: c.3101A>G, p.Asp1034Gly (NM_001350085.2, NM_001303496.3, NM_001303497.3 and 5 more transcripts); short protein forms D1034G.
Identifiers: ClinVar variation 4842001 (VCV004842001.1).
Genomic context (GRCh38, chr7:93,132,871, plus strand): 5'-AGAGTGTCTGTTTCATCTCCATACACCTTGCGCTGTCTTGTAAGCAGAAGAGTTTGAACA[T>C]CATGTTGAAATTTGTCTCTTCCTATTCCAGAATCATAGAATAAATTCTCTTCTAATATAT-3'
Protein context (NP_689916.2, residues 1024-1044): SGIGRDKFQH[Asp1034Gly]VQTLLLTRQR

ClinVar aggregate classification (germline): Uncertain significance (1 of 4 stars; one submission).

Conditions:
Inborn genetic diseases. Identifiers: MedGen C0950123, MeSH D030342.

Submission:

Ambry Genetics
Classification: Uncertain significance for Inborn genetic diseases. Last evaluated: 2025-12-21. Review status: criteria provided, single submitter. Criteria: Ambry Variant Classification Scheme 2023. Collection method: clinical testing. Allele origin: germline.
Comment: The p.D1034G variant (also known as c.3101A>G), located in coding exon 1 of the SAMD9L gene, results from an A to G substitution at nucleotide position 3101. The aspartic acid at codon 1034 is replaced by glycine, an amino acid with similar properties. This amino acid position is conserved. In addition, this alteration is predicted to be tolerated by in silico analysis. Based on the available evidence, the clinical significance of this variant remains unclear.